The following is an entry in ClinVar:

NM_017780.4(CHD7):c.6738G>A (p.Glu2246=)

Gene: CHD7 (chromodomain helicase DNA binding protein 7; plus strand). Cytogenetic location: 8q12.2.
Variant type: single nucleotide variant.
Coding change: c.6738G>A on transcript NM_017780.4 (MANE Select); coding-DNA position 6738, G replaced by A.
Protein change: p.Glu2246=; no amino-acid change (glutamic acid 2246 retained).
Molecular consequence: synonymous variant. On other transcripts: intron variant (1).
Genome position (GRCh38, 1-based): chr8:60,853,463, G>A. VCF-style: chr8-60853463-G-A. GRCh37 (hg19) VCF-style: chr8-61766022-G-A.
Other names: p.Glu2246=; c.6738G>A, p.(=) (LRG_176t1); c.1717-8766G>A (NM_001316690.1).
Identifiers: ClinVar variation 95808 (VCV000095808.42), dbSNP rs61729627, ClinGen allele CA148882.

ClinVar aggregate classification (germline): Benign. Review status: criteria provided, multiple submitters, no conflicts (2 of 4 stars). 14 submissions from 14 submitters: Benign (12). 2 of the submissions do not count toward it. Last evaluated 2026-02-02.

Conditions:
Inborn genetic diseases. Identifiers: MedGen C0950123, MeSH D030342.
Hypogonadotropic hypogonadism 5 with or without anosmia (KAL5). Also called: CHD7-Related GnRH Deficiency (Kallmann Syndrome 5); HYPOGONADOTROPIC HYPOGONADISM 5 WITH ANOSMIA; HYPOGONADOTROPHIC HYPOGONADISM 5 WITHOUT ANOSMIA. Identifiers: Orphanet 478, MedGen C3552553, MONDO:0012880, OMIM 612370. Disease mechanism: loss of function.
CHARGE syndrome (CHARGE). Also called: CHARGE ASSOCIATION--COLOBOMA, HEART ANOMALY, CHOANAL ATRESIA, RETARDATION, GENITAL AND EAR ANOMALIES; Hittner Hirsch Kreh syndrome; Coloboma, heart anomaly, choanal atresia, retardation, genital and ear anomalies; CHARGE association; Hall-Hittner syndrome. Identifiers: Orphanet 138, MedGen C0265354, MONDO:0008965.

Allele frequency attached by ClinVar (database versions not stated): gnomAD exomes 0.00153 and 0.00482; gnomAD 0.01533 and 0.01450; TOPMed 0.01640; ExAC 0.00488; ESP Exome Variant Server 0.01463; 1000 Genomes Project 0.01717; 1000 Genomes Project 30x 0.01749.
gnomAD v4.1: 4,373 of 1,517,488 alleles (0.29%); highest among the groups gnomAD compares: African/African-American, 5%; 108 homozygotes.

Submissions (14):

Labcorp Genetics (formerly Invitae), Labcorp
Classification: Benign for CHARGE syndrome. Last evaluated: 2026-02-02. Review status: criteria provided, single submitter. Criteria: Invitae Variant Classification Sherloc (09022015). Collection method: clinical testing. Allele origin: germline.

Mayo Clinic Laboratories, Mayo Clinic
Classification: Benign. Last evaluated: 2023-10-13. Review status: criteria provided, single submitter. Criteria: ACMG Guidelines, 2015. Collection method: clinical testing. Allele origin: germline. Observed: 3 variant alleles.
Comment: BS1, BS2, BP4, BP7

Women's Health and Genetics/Laboratory Corporation of America, LabCorp
Classification: Benign. Last evaluated: 2018-12-03. Review status: criteria provided, single submitter. Criteria: LabCorp Variant Classification Summary - May 2015. Collection method: clinical testing. Allele origin: germline.
Comment: Variant summary: CHD7 c.6738G>A results in a synonymous change. 5/5 computational tools predict no significant impact on normal splicing. However, these predictions have yet to be confirmed by functional studies. The variant allele was found at a frequency of 0.0062 in 203528 control chromosomes, predominantly at a frequency of 0.049 within the African subpopulation in the gnomAD database, including 27 homozygotes. The observed variant frequency within African control individuals in the gnomAD database is much greater than the estimated maximal expected allele frequency for a pathogenic variant in CHD7 causing Congenital Heart Disease phenotype (1.3e-06), strongly suggesting that the variant is a benign polymorphism found primarily in populations of African origin. Three clinical diagnostic laboratories have submitted clinical-significance assessments for this variant to ClinVar after 2014 without evidence for independent evaluation. All laboratories classified the variant as benign/likely benign. Based on the evidence outlined above, the variant was classified as benign.

Athena Diagnostics
Classification: Benign. Last evaluated: 2018-09-19. Review status: criteria provided, single submitter. Criteria: Athena Diagnostics Criteria. Collection method: clinical testing. Allele origin: germline.

Illumina Laboratory Services, Illumina
Classification: Benign for Kallmann Syndrome 5. Last evaluated: 2018-01-13. Review status: criteria provided, single submitter. Criteria: ICSL Variant Classification Criteria 13 December 2019. Collection method: clinical testing. Allele origin: germline.
Comment: This variant was observed in the ICSL laboratory as part of a predisposition screen in an ostensibly healthy population. It had not been previously curated by ICSL or reported in the Human Gene Mutation Database (HGMD: prior to June 1st, 2018), and was therefore a candidate for classification through an automated scoring system. Utilizing variant allele frequency, disease prevalence and penetrance estimates, and inheritance mode, an automated score was calculated to assess if this variant is too frequent to cause the disease. Based on the score and internal cut-off values, a variant classified as benign is not then subjected to further curation. The score for this variant resulted in a classification of benign for this disease.

ARUP Laboratories, Molecular Genetics and Genomics, ARUP Laboratories
Classification: Benign. Last evaluated: 2017-11-14. Review status: criteria provided, single submitter. Criteria: ARUP Molecular Germline Variant Investigation Process. Collection method: clinical testing. Allele origin: germline.

Ambry Genetics
Classification: Benign for Inborn genetic diseases. Last evaluated: 2016-06-08. Review status: criteria provided, single submitter. Criteria: Ambry Variant Classification Scheme 2023. Collection method: clinical testing. Allele origin: germline.

GeneDx
Classification: Benign. Last evaluated: 2015-03-03. Review status: criteria provided, single submitter. Criteria: GeneDx Variant Classification Process June 2021. Collection method: clinical testing. Allele origin: germline. Affected: yes.

Eurofins Ntd Llc (ga)
Classification: Benign. Last evaluated: 2013-09-26. Review status: criteria provided, single submitter. Criteria: EGL Classification Definitions 2015. Collection method: clinical testing. Allele origin: germline. Observed: 2 variant alleles, 2 heterozygotes.

Genetic Services Laboratory, University of Chicago
Classification: Benign. Last evaluated: 2013-02-08. Review status: criteria provided, single submitter. Criteria: ACMG Guidelines, 2007. Collection method: clinical testing. Allele origin: germline. Inheritance: Autosomal dominant inheritance.

Breakthrough Genomics
Classification: Benign. Review status: criteria provided, single submitter. Criteria: ACMG Guidelines, 2015. Collection method: not provided. Allele origin: germline. Inheritance: Autosomal dominant inheritance. Affected: yes.

PreventionGenetics, part of Exact Sciences
Classification: Benign. Review status: criteria provided, single submitter. Criteria: ACMG Guidelines, 2015. Collection method: clinical testing. Allele origin: germline.

Clinical Genetics, Academic Medical Center
Classification: Benign. Review status: no assertion criteria provided. Collection method: clinical testing. Allele origin: germline. Affected: yes. Study: VKGL Data-share Consensus. Not counted in ClinVar's aggregate classification.

Joint Genome Diagnostic Labs from Nijmegen and Maastricht, Radboudumc and MUMC+
Classification: Benign. Review status: no assertion criteria provided. Collection method: clinical testing. Allele origin: germline. Affected: yes. Study: VKGL Data-share Consensus. Not counted in ClinVar's aggregate classification.